The following is an entry in ClinVar:

NM_030777.4(SLC2A10):c.747C>T (p.Asn249=)

Gene: SLC2A10 (solute carrier family 2 member 10; plus strand). Cytogenetic location: 20q13.12.
Variant type: single nucleotide variant.
Coding change: c.747C>T on transcript NM_030777.4 (MANE Select); coding-DNA position 747, C replaced by T.
Protein change: p.Asn249=; no amino-acid change (asparagine 249 retained).
Molecular consequence: synonymous variant.
Genome position (GRCh38, 1-based): chr20:46,725,783, C>T. VCF-style: chr20-46725783-C-T. GRCh37 (hg19) VCF-style: chr20-45354422-C-T.
Identifiers: ClinVar variation 2561773 (VCV002561773.6), dbSNP rs41283042, ClinGen allele CA9892035.

ClinVar aggregate classification (germline): Likely benign. Review status: criteria provided, multiple submitters, no conflicts (2 of 4 stars). 3 submissions from 3 submitters: Likely benign (2). 1 of the submissions does not count toward it. Last evaluated 2025-06-24.

Conditions:
Familial thoracic aortic aneurysm and aortic dissection (TAAD). Also called: Thoracic aortic aneurysms and dissections. Identifiers: Orphanet 91387, MedGen C4707243, MONDO:0019625.
SLC2A10-related disorder. Also called: SLC2A10-related condition.
Arterial tortuosity syndrome (ATORS). Identifiers: Orphanet 3342, MedGen C1859726, MONDO:0008818, OMIM 208050.

Allele frequency attached by ClinVar (database versions not stated): ExAC 0.00002; gnomAD exomes 0.00002; gnomAD 0.00003; TOPMed 0.00004; 1000 Genomes Project 30x 0.00031.
gnomAD v4.1: 34 of 1,614,214 alleles (0.0021%); highest among the groups gnomAD compares: African/African-American, 0.008%; no homozygotes.

Submissions (3):

Labcorp Genetics (formerly Invitae), Labcorp
Classification: Likely benign for Arterial tortuosity syndrome. Last evaluated: 2025-06-24. Review status: criteria provided, single submitter. Criteria: Invitae Variant Classification Sherloc (09022015). Collection method: clinical testing. Allele origin: germline.

Ambry Genetics
Classification: Likely benign for Familial thoracic aortic aneurysm and aortic dissection. Last evaluated: 2023-03-29. Review status: criteria provided, single submitter. Criteria: Ambry Variant Classification Scheme 2023. Collection method: clinical testing. Allele origin: germline.

PreventionGenetics, part of Exact Sciences
Classification: Likely benign for SLC2A10-related condition. Last evaluated: 2021-07-13. Review status: no assertion criteria provided. Collection method: clinical testing. Allele origin: germline. Not counted in ClinVar's aggregate classification.
Comment: This variant is classified as likely benign based on ACMG/AMP sequence variant interpretation guidelines (Richards et al. 2015 PMID: 25741868, with internal and published modifications).